The following is an entry in ClinVar:

ClinVar aggregate classification (germline): Likely benign (0 of 4 stars; one submission).

Conditions:
SEMA3F-related disorder. Also called: SEMA3F-related condition.

gnomAD v4.1: 11 of 1,614,150 alleles (0.00068%); highest among the groups gnomAD compares: Admixed American, 0.0017%; no homozygotes.

Submission:

PreventionGenetics, part of Exact Sciences
Classification: Likely benign for SEMA3F-related condition. Last evaluated: 2021-08-23. Review status: no assertion criteria provided. Collection method: clinical testing. Allele origin: germline.
Comment: This variant is classified as likely benign based on ACMG/AMP sequence variant interpretation guidelines (Richards et al. 2015 PMID: 25741868, with internal and published modifications).

NM_004186.5(SEMA3F):c.210C>T (p.Tyr70=)

Gene: SEMA3F (semaphorin 3F; plus strand). Cytogenetic location: 3p21.31.
Variant type: single nucleotide variant.
Coding change: c.210C>T on transcript NM_004186.5 (MANE Select); coding-DNA position 210, C replaced by T.
Protein change: p.Tyr70=; no amino-acid change (tyrosine 70 retained).
Molecular consequence: synonymous variant.
Genome position (GRCh38, 1-based): chr3:50,173,890, C>T. VCF-style: chr3-50173890-C-T. GRCh37 (hg19) VCF-style: chr3-50211323-C-T.
Other names: c.6C>T, p.Tyr2= (NM_001318798.2); c.210C>T, p.Tyr70= (NM_001318800.2).
Identifiers: ClinVar variation 3350586 (VCV003350586.1).